The following is an entry in ClinVar:

ClinVar aggregate classification (germline): Benign. Review status: criteria provided, single submitter (1 of 4 stars). 2 submissions from 2 submitters: Benign (1). 1 of the submissions does not count toward it. Last evaluated 2023-02-01.

Conditions:
GRB10-related disorder. Also called: GRB10-related condition.

Allele frequency attached by ClinVar (database versions not stated): ESP Exome Variant Server 0.00259; 1000 Genomes Project 0.00260; 1000 Genomes Project 30x 0.00297.
gnomAD v4.1: 1,143 of 1,613,962 alleles (0.071%); highest among the groups gnomAD compares: African/African-American, 1.2%; 10 homozygotes.

Submissions (2):

CeGaT Center for Human Genetics Tuebingen
Classification: Benign. Last evaluated: 2023-02-01. Review status: criteria provided, single submitter. Criteria: CeGaT Center For Human Genetics Tuebingen Variant Classification Criteria Version 2. Collection method: clinical testing. Allele origin: germline. Affected: yes. Observed: 1 variant allele.
Comment: GRB10: BS1, BS2

PreventionGenetics, part of Exact Sciences
Classification: Benign for GRB10-related condition. Last evaluated: 2019-04-05. Review status: no assertion criteria provided. Collection method: clinical testing. Allele origin: germline. Not counted in ClinVar's aggregate classification.
Comment: This variant is classified as benign based on ACMG/AMP sequence variant interpretation guidelines (Richards et al. 2015 PMID: 25741868, with internal and published modifications).

NM_001350814.2(GRB10):c.454C>G (p.Pro152Ala)

Gene: GRB10 (growth factor receptor bound protein 10; minus strand). Cytogenetic location: 7p12.1.
Variant type: single nucleotide variant.
Coding change: c.454C>G on transcript NM_001350814.2 (MANE Select); coding-DNA position 454, C replaced by G.
Protein change: p.Pro152Ala; replaces proline 152 with alanine.
Molecular consequence: missense variant.
Genome position (GRCh38, 1-based): chr7:50,669,772, G>C on the plus strand (C>G on the coding strand, the complement: GRB10 is on the minus strand). VCF-style: chr7-50669772-G-C. GRCh37 (hg19) VCF-style: chr7-50737469-G-C.
Other names: c.454C>G, p.Pro152Ala (NM_001001549.3); c.280C>G, p.Pro94Ala (NM_001001550.3, NM_001001555.3, NM_001350816.3 and 1 more transcripts); c.568C>G, p.Pro190Ala (NM_001350815.2); c.601C>G, p.Pro201Ala (NM_001371009.1); c.568C>G (NM_001350815.1); short protein forms P152A, P190A, P201A, P94A.
Identifiers: ClinVar variation 2657502 (VCV002657502.25), dbSNP rs200175899, ClinGen allele CA4262947.
Genomic context (GRCh38, chr7:50,669,772, plus strand): 5'-GCACACTCACCTGCTTTGCGGCGGCCTGGCTCGGAGGTAAAGAACCCGGCGTGAGCACAG[G>C]GGGGCTCCCAGGGCCACAGAGTTCAGGAAAAGGATTGGGGATGGCCGGCAGAGATGAGGT-3'
Protein context (NP_001337743.1, residues 142-162): FPELCGPGSP[Pro152Ala]VLTPGSLPPS